The following is an entry in ClinVar:

NM_182961.4(SYNE1):c.22727G>A (p.Arg7576His)

Gene: SYNE1 (spectrin repeat containing nuclear envelope protein 1; minus strand). Cytogenetic location: 6q25.2.
Variant type: single nucleotide variant.
Coding change: c.22727G>A on transcript NM_182961.4 (MANE Select); coding-DNA position 22727, G replaced by A.
Protein change: p.Arg7576His; replaces arginine 7576 with histidine.
Molecular consequence: missense variant.
Genome position (GRCh38, 1-based): chr6:152,208,069, C>T on the plus strand (G>A on the coding strand, the complement: SYNE1 is on the minus strand). VCF-style: chr6-152208069-C-T. GRCh37 (hg19) VCF-style: chr6-152529204-C-T.
Other names: c.22514G>A, p.Arg7505His (NM_033071.5); short protein forms R7505H, R7576H.
Identifiers: ClinVar variation 2155761 (VCV002155761.5), dbSNP rs752444572, ClinGen allele CA150173013.

ClinVar aggregate classification (germline): Uncertain significance. Review status: criteria provided, multiple submitters, no conflicts (2 of 4 stars). 2 submissions from 2 submitters: Uncertain significance (2). Last evaluated 2026-01-21.

Conditions:
Autosomal recessive ataxia, Beauce type. Also called: SYNE1-Related Autosomal Recessive Cerebellar Ataxia; Spinocerebellar ataxia, autosomal recessive 8; ATAXIA, RECESSIVE, OF BEAUCE; SYNE1 Deficiency. Identifiers: Orphanet 88644, MedGen C1853116, MONDO:0012549, OMIM 610743.
Emery-Dreifuss muscular dystrophy 4, autosomal dominant (EDMD4). Also called: EMERY-DREIFUSS MUSCULAR DYSTROPHY 4 WITH VARIABLE FEATURES. Identifiers: Orphanet 261, MedGen C2751807, MONDO:0013071, OMIM 612998.

Allele frequency attached by ClinVar (database versions not stated): gnomAD 0.00001; gnomAD exomes 0.00002; TOPMed 0.00002.
gnomAD v4.1: 26 of 1,613,992 alleles (0.0016%); highest among the groups gnomAD compares: Middle Eastern, 0.016%; no homozygotes.

Submissions (2):

Women's Health and Genetics/Laboratory Corporation of America, LabCorp
Classification: Uncertain significance. Last evaluated: 2026-01-21. Review status: criteria provided, single submitter. Criteria: LabCorp Variant Classification Summary - May 2015. Collection method: clinical testing. Allele origin: germline.
Comment: Variant summary: SYNE1 c.22514G>A (p.Arg7505His) results in a non-conservative amino acid change in the encoded protein sequence. Algorithms developed to predict the effect of missense changes on protein structure and function are either unavailable or do not agree on the potential impact of this missense change. The variant allele was found at a frequency of 4e-06 in 251342 control chromosomes. The available data on variant occurrences in the general population are insufficient to allow any conclusion about variant significance. To our knowledge, no occurrence of c.22514G>A in individuals affected with SYNE1-related conditions and no experimental evidence demonstrating its impact on protein function have been reported. ClinVar contains an entry for this variant (Variation ID: 2155761). Based on the evidence outlined above, the variant was classified as uncertain significance.

Labcorp Genetics (formerly Invitae), Labcorp
Classification: Uncertain significance for Emery-Dreifuss muscular dystrophy 4, autosomal dominant; Autosomal recessive ataxia, Beauce type. Last evaluated: 2022-09-01. Review status: criteria provided, single submitter. Criteria: Invitae Variant Classification Sherloc (09022015). Collection method: clinical testing. Allele origin: germline.
Comment: Algorithms developed to predict the effect of missense changes on protein structure and function are either unavailable or do not agree on the potential impact of this missense change (SIFT: "Deleterious"; PolyPhen-2: "Benign"; Align-GVGD: "Class C25"). This variant has not been reported in the literature in individuals affected with SYNE1-related conditions. This variant is present in population databases (rs752444572, gnomAD 0.004%). This sequence change replaces arginine, which is basic and polar, with histidine, which is basic and polar, at codon 7505 of the SYNE1 protein (p.Arg7505His). In summary, the available evidence is currently insufficient to determine the role of this variant in disease. Therefore, it has been classified as a Variant of Uncertain Significance.